The following is an entry in ClinVar:

ClinVar aggregate classification (germline): Uncertain significance. Review status: criteria provided, multiple submitters, no conflicts (2 of 4 stars). 2 submissions from 2 submitters: Uncertain significance (2). Last evaluated 2024-10-30.

Conditions:
Werner syndrome (WRN). Identifiers: Orphanet 902, MedGen C0043119, MONDO:0010196, OMIM 277700.

Allele frequency attached by ClinVar (database versions not stated): gnomAD exomes below 0.00001; ExAC 0.00001.
gnomAD v4.1: 4 of 1,613,762 alleles (0.00025%); highest among the groups gnomAD compares: East Asian, 0.0022%; no homozygotes.

Submissions (2):

Labcorp Genetics (formerly Invitae), Labcorp
Classification: Uncertain significance for Werner syndrome. Last evaluated: 2024-10-30. Review status: criteria provided, single submitter. Criteria: Invitae Variant Classification Sherloc (09022015). Collection method: clinical testing. Allele origin: germline.
Comment: This sequence change replaces glutamine, which is neutral and polar, with arginine, which is basic and polar, at codon 144 of the WRN protein (p.Gln144Arg). This variant is not present in population databases (gnomAD no frequency). This variant has not been reported in the literature in individuals affected with WRN-related conditions. ClinVar contains an entry for this variant (Variation ID: 665205). An algorithm developed to predict the effect of missense changes on protein structure and function (PolyPhen-2) suggests that this variant is likely to be disruptive. In summary, the available evidence is currently insufficient to determine the role of this variant in disease. Therefore, it has been classified as a Variant of Uncertain Significance.

Blueprint Genetics
Classification: Uncertain significance. Last evaluated: 2022-01-27. Review status: criteria provided, single submitter. Criteria: ACMG Guidelines, 2015. Collection method: clinical testing. Allele origin: germline.

NM_000553.6(WRN):c.431A>G (p.Gln144Arg)

Gene: WRN (WRN RecQ like helicase; plus strand). Cytogenetic location: 8p12.
Variant type: single nucleotide variant.
Coding change: c.431A>G on transcript NM_000553.6 (MANE Select); coding-DNA position 431, A replaced by G.
Protein change: p.Gln144Arg; replaces glutamine 144 with arginine.
Molecular consequence: missense variant.
Genome position (GRCh38, 1-based): chr8:31,064,990, A>G. VCF-style: chr8-31064990-A-G. GRCh37 (hg19) VCF-style: chr8-30922506-A-G.
Other names: short protein forms Q144R.
Identifiers: ClinVar variation 665205 (VCV000665205.6), dbSNP rs771444804, ClinGen allele CA4704062.